The following is an entry in ClinVar:

NM_001135649.3(FOXI3):c.86C>T (p.Ala29Val)

Gene: FOXI3 (forkhead box I3; minus strand). Cytogenetic location: 2p11.2.
Variant type: single nucleotide variant.
Coding change: c.86C>T on transcript NM_001135649.3 (MANE Select); coding-DNA position 86, C replaced by T.
Protein change: p.Ala29Val; replaces alanine 29 with valine.
Molecular consequence: missense variant.
Genome position (GRCh38, 1-based): chr2:88,452,450, G>A on the plus strand (C>T on the coding strand, the complement: FOXI3 is on the minus strand). VCF-style: chr2-88452450-G-A. GRCh37 (hg19) VCF-style: chr2-88751968-G-A.
Other names: short protein forms A29V.
Identifiers: ClinVar variation 3659955 (VCV003659955.2).

ClinVar aggregate classification (germline): Uncertain significance (1 of 4 stars; one submission).

gnomAD v4.1: 1 of 1,051,588 alleles (0.000095%); highest among the groups gnomAD compares: Non-Finnish European, 0.00011%; no homozygotes.

Submission:

Labcorp Genetics (formerly Invitae), Labcorp
Classification: Uncertain significance. Last evaluated: 2024-09-08. Review status: criteria provided, single submitter. Criteria: Invitae Variant Classification Sherloc (09022015). Collection method: clinical testing. Allele origin: germline.
Comment: This sequence change replaces alanine, which is neutral and non-polar, with valine, which is neutral and non-polar, at codon 29 of the FOXI3 protein (p.Ala29Val). The frequency data for this variant in the population databases is considered unreliable, as metrics indicate insufficient coverage at this position in the gnomAD database. This variant has not been reported in the literature in individuals affected with FOXI3-related conditions. Experimental studies and prediction algorithms are not available or were not evaluated, and the functional significance of this variant is currently unknown. In summary, the available evidence is currently insufficient to determine the role of this variant in disease. Therefore, it has been classified as a Variant of Uncertain Significance.